The following is an entry in ClinVar:

NM_052989.3(IFT122):c.2299G>A (p.Ala767Thr)

Gene: IFT122 (intraflagellar transport 122; plus strand). Cytogenetic location: 3q21.3.
Variant type: single nucleotide variant.
Coding change: c.2299G>A on transcript NM_052989.3 (MANE Select); coding-DNA position 2299, G replaced by A.
Protein change: p.Ala767Thr; replaces alanine 767 with threonine.
Molecular consequence: missense variant.
Genome position (GRCh38, 1-based): chr3:129,499,992, G>A. VCF-style: chr3-129499992-G-A. GRCh37 (hg19) VCF-style: chr3-129218835-G-A.
Other names: c.2275G>A, p.Ala759Thr (NM_001280541.2); c.1849G>A, p.Ala617Thr (NM_001280545.2); c.1672G>A, p.Ala558Thr (NM_001280546.2); c.2122G>A, p.Ala708Thr (NM_018262.4); c.2452G>A, p.Ala818Thr (NM_052985.4); c.1966G>A, p.Ala656Thr (NM_052990.3); c.2452G>A (NM_052985.3); short protein forms A656T, A558T, A708T, A617T, A767T, A818T, A759T.
Identifiers: ClinVar variation 1498900 (VCV001498900.7), dbSNP rs199856807, ClinGen allele CA2606464.

ClinVar aggregate classification (germline): Uncertain significance. Review status: criteria provided, multiple submitters, no conflicts (2 of 4 stars). 3 submissions from 3 submitters: Uncertain significance (3). Last evaluated 2026-04-02.

Conditions:
Cranioectodermal dysplasia 1 (CED1). Also called: LEVIN SYNDROME I. Identifiers: Orphanet 1515, MedGen C0432235, MONDO:0021093, OMIM 218330.

Allele frequency attached by ClinVar (database versions not stated): gnomAD 0.00001 and 0.00003; gnomAD exomes 0.00002; 1000 Genomes Project 0.00040; 1000 Genomes Project 30x 0.00047; ExAC 0.00002; TOPMed 0.00004.
gnomAD v4.1: 23 of 1,614,200 alleles (0.0014%); highest among the groups gnomAD compares: Middle Eastern, 0.016%; no homozygotes.

Submissions (3):

GeneDx
Classification: Uncertain significance. Last evaluated: 2026-04-02. Review status: criteria provided, single submitter. Criteria: GeneDx Variant Classification Process June 2021. Collection method: clinical testing. Allele origin: germline.
Comment: In silico analysis supports that this missense variant has a deleterious effect on protein structure/function; Has not been previously published as pathogenic or benign to our knowledge

Labcorp Genetics (formerly Invitae), Labcorp
Classification: Uncertain significance for Cranioectodermal dysplasia 1. Last evaluated: 2022-05-03. Review status: criteria provided, single submitter. Criteria: Invitae Variant Classification Sherloc (09022015). Collection method: clinical testing. Allele origin: germline.
Comment: This sequence change replaces alanine, which is neutral and non-polar, with threonine, which is neutral and polar, at codon 818 of the IFT122 protein (p.Ala818Thr). This variant is present in population databases (rs199856807, gnomAD 0.01%). This variant has not been reported in the literature in individuals affected with IFT122-related conditions. Algorithms developed to predict the effect of missense changes on protein structure and function (SIFT, PolyPhen-2, Align-GVGD) all suggest that this variant is likely to be disruptive. In summary, the available evidence is currently insufficient to determine the role of this variant in disease. Therefore, it has been classified as a Variant of Uncertain Significance.

Fulgent Genetics
Classification: Uncertain significance for Cranioectodermal dysplasia 1. Last evaluated: 2021-11-05. Review status: criteria provided, single submitter. Criteria: ACMG Guidelines, 2015. Collection method: clinical testing. Allele origin: unknown.